The following is an entry in ClinVar:

ClinVar aggregate classification (germline): Uncertain significance. Review status: criteria provided, multiple submitters, no conflicts (2 of 4 stars). 2 submissions from 2 submitters: Uncertain significance (2). Last evaluated 2021-08-19.

Conditions:
Isolated growth hormone deficiency type IB (IGHD1B). Also called: IGHD IB; IGHD 1B. Identifiers: Orphanet 231671, Orphanet 631, MedGen C2748571, MONDO:0013006, OMIM 612781.

Allele frequency attached by ClinVar (database versions not stated): ExAC 0.00001; TOPMed 0.00003; gnomAD 0.00004; 1000 Genomes Project 0.00020; 1000 Genomes Project 30x 0.00031.
gnomAD v4.1: 54 of 1,610,992 alleles (0.0034%); highest among the groups gnomAD compares: Middle Eastern, 0.017%; no homozygotes.

Submissions (2):

Labcorp Genetics (formerly Invitae), Labcorp
Classification: Uncertain significance. Last evaluated: 2021-08-19. Review status: criteria provided, single submitter. Criteria: Invitae Variant Classification Sherloc (09022015). Collection method: clinical testing. Allele origin: germline.
Comment: This sequence change replaces arginine with histidine at codon 305 of the GHRHR protein (p.Arg305His). The arginine residue is moderately conserved and there is a small physicochemical difference between arginine and histidine. This variant is present in population databases (rs200472991, ExAC 0.009%). This variant has not been reported in the literature in individuals affected with GHRHR-related conditions. ClinVar contains an entry for this variant (Variation ID: 360036). Algorithms developed to predict the effect of missense changes on protein structure and function are either unavailable or do not agree on the potential impact of this missense change (SIFT: "Tolerated"; PolyPhen-2: "Probably Damaging"; Align-GVGD: "Class C0"). In summary, the available evidence is currently insufficient to determine the role of this variant in disease. Therefore, it has been classified as a Variant of Uncertain Significance.

Illumina Laboratory Services, Illumina
Classification: Uncertain significance for Isolated growth hormone deficiency type IB. Last evaluated: 2018-01-13. Review status: criteria provided, single submitter. Criteria: ICSL Variant Classification Criteria 13 December 2019. Collection method: clinical testing. Allele origin: germline.

NM_000823.4(GHRHR):c.914G>A (p.Arg305His)

Gene: GHRHR (growth hormone releasing hormone receptor; plus strand). Cytogenetic location: 7p14.3.
Variant type: single nucleotide variant.
Coding change: c.914G>A on transcript NM_000823.4 (MANE Select); coding-DNA position 914, G replaced by A.
Protein change: p.Arg305His; replaces arginine 305 with histidine.
Molecular consequence: missense variant.
Genome position (GRCh38, 1-based): chr7:30,975,808, G>A. VCF-style: chr7-30975808-G-A. GRCh37 (hg19) VCF-style: chr7-31015423-G-A.
Other names: short protein forms R305H.
Identifiers: ClinVar variation 360036 (VCV000360036.7), dbSNP rs200472991, ClinGen allele CA4208727.